The following is an entry in ClinVar:

NM_000038.6(APC):c.7843A>C (p.Ile2615Leu)

Gene: APC (APC regulator of Wnt signaling pathway; plus strand). Cytogenetic location: 5q22.2.
Variant type: single nucleotide variant.
Coding change: c.7843A>C on transcript NM_000038.6 (MANE Select); coding-DNA position 7843, A replaced by C.
Protein change: p.Ile2615Leu; replaces isoleucine 2615 with leucine.
Molecular consequence: missense variant. On other transcripts: non-coding transcript variant (2).
Genome position (GRCh38, 1-based): chr5:112,843,437, A>C. VCF-style: chr5-112843437-A-C. GRCh37 (hg19) VCF-style: chr5-112179134-A-C.
Other names: c.7843A>C, p.Ile2615Leu (NM_001127510.3, NM_001354895.2, NM_001407450.1); c.7789A>C, p.Ile2597Leu (NM_001127511.3); c.7897A>C, p.Ile2633Leu (NM_001354896.2, NM_001407447.1, NM_001407448.1 and 1 more transcripts); c.7873A>C, p.Ile2625Leu (NM_001354897.2); c.7768A>C, p.Ile2590Leu (NM_001354898.2); c.7759A>C, p.Ile2587Leu (NM_001354899.2); c.7720A>C, p.Ile2574Leu (NM_001354900.2); c.7666A>C, p.Ile2556Leu (NM_001354901.2, NM_001407453.1); and 11 more; short protein forms I2332L, I2486L, I2524L, I2574L, I2597L, I2633L, I2489L, I2556L.
Identifiers: ClinVar variation 2452683 (VCV002452683.3), dbSNP rs863224550, ClinGen allele CA16038371.

ClinVar aggregate classification (germline): Uncertain significance (1 of 4 stars; one submission).

Conditions:
Hereditary cancer-predisposing syndrome. Also called: Neoplastic Syndromes, Hereditary; Tumor predisposition; Hereditary neoplastic syndrome; Hereditary Cancer Syndrome. Identifiers: Orphanet 140162, MedGen C0027672, MeSH D009386, MONDO:0015356.

Submission:

Ambry Genetics
Classification: Uncertain significance for Hereditary cancer-predisposing syndrome. Last evaluated: 2025-12-02. Review status: criteria provided, single submitter. Criteria: Ambry Variant Classification Scheme 2023. Collection method: clinical testing. Allele origin: germline.
Comment: The p.I2615L variant (also known as c.7843A>C), located in coding exon 15 of the APC gene, results from an A to C substitution at nucleotide position 7843. The isoleucine at codon 2615 is replaced by leucine, an amino acid with highly similar properties. This amino acid position is well conserved in available vertebrate species. In addition, in silico predictors for this gene do not accurately predict pathogenicity. Missense variants in APC are not a common cause of disease (Spier I et al. Genet Med. 2024 Feb;26(2):100992). Based on the available evidence, the clinical significance of this variant remains unclear.